The following is an entry in ClinVar:

ClinVar aggregate classification (germline): Likely benign. Review status: criteria provided, multiple submitters, no conflicts (2 of 4 stars). 2 submissions from 2 submitters: Likely benign (2). Last evaluated 2018-06-16.

Allele frequency attached by ClinVar (database versions not stated): 1000 Genomes Project 30x 0.00281; 1000 Genomes Project 0.00339; gnomAD 0.00415 and 0.00442; TOPMed 0.00417; ESP Exome Variant Server 0.00500; gnomAD exomes 0.00558 and 0.00817; ExAC 0.00608.
gnomAD v4.1: 12,477 of 1,611,054 alleles (0.77%); highest among the groups gnomAD compares: South Asian, 1.3%; 79 homozygotes.

Submissions (2):

GeneDx
Classification: Likely benign. Last evaluated: 2018-06-16. Review status: criteria provided, single submitter. Criteria: GeneDx Variant Classification (06012015). Collection method: clinical testing. Allele origin: germline. Affected: yes.
Comment: This variant is considered likely benign or benign based on one or more of the following criteria: it is a conservative change, it occurs at a poorly conserved position in the protein, it is predicted to be benign by multiple in silico algorithms, and/or has population frequency not consistent with disease.

Breakthrough Genomics
Classification: Likely benign. Review status: criteria provided, single submitter. Criteria: ACMG Guidelines, 2015. Collection method: not provided. Allele origin: germline. Inheritance: Autosomal dominant inheritance. Affected: yes.

NM_001999.4(FBN2):c.3598+40A>G

Gene: FBN2 (fibrillin 2; minus strand). Cytogenetic location: 5q23.3.
Variant type: single nucleotide variant.
Coding change: c.3598+40A>G on transcript NM_001999.4 (MANE Select); 40 bases into the intron after coding-DNA position 3598, A replaced by G.
Molecular consequence: intron variant.
Genome position (GRCh38, 1-based): chr5:128,337,957, T>C on the plus strand (A>G on the coding strand, the complement: FBN2 is on the minus strand). VCF-style: chr5-128337957-T-C. GRCh37 (hg19) VCF-style: chr5-127673649-T-C.
Identifiers: ClinVar variation 675694 (VCV000675694.2), dbSNP rs182112935, ClinGen allele CA3395188.
Genomic context (GRCh38, chr5:128,337,957, plus strand): 5'-TAGATTTCATGTGCTCCTCAAACAACAGGTTTGTCAGAACTGATCCCTGGTCTTTACCAG[T>C]TGTGCTGGGCAGGTTTATGTGCTGAGGAGATAAACTCACCCACACAGTCCTCACGGGATG-3'